The following is an entry in ClinVar:

NM_032608.7(MYO18B):c.7375G>A (p.Gly2459Arg)

Gene: MYO18B (myosin XVIIIB; plus strand). Cytogenetic location: 22q12.1.
Variant type: single nucleotide variant.
Coding change: c.7375G>A on transcript NM_032608.7 (MANE Select); coding-DNA position 7375, G replaced by A.
Protein change: p.Gly2459Arg; replaces glycine 2459 with arginine.
Molecular consequence: missense variant.
Genome position (GRCh38, 1-based): chr22:26,027,349, G>A. VCF-style: chr22-26027349-G-A. GRCh37 (hg19) VCF-style: chr22-26423315-G-A.
Other names: c.7375G>A (NM_032608.5); c.7378G>A, p.Gly2460Arg (NM_001318245.2); short protein forms G2460R, G2459R.
Identifiers: ClinVar variation 2958635 (VCV002958635.4), dbSNP rs1936334191, ClinGen allele CA411012301.

ClinVar aggregate classification (germline): Conflicting classifications of pathogenicity. Review status: criteria provided, conflicting classifications (1 of 4 stars). 2 submissions from 2 submitters: Uncertain significance (1); Likely benign (1). Last evaluated 2026-07-08.

Conditions:
Inborn genetic diseases. Identifiers: MedGen C0950123, MeSH D030342.

Allele frequency attached by ClinVar (database versions not stated): TOPMed below 0.00001.

Submissions (2):

Ambry Genetics
Classification: Likely benign for Inborn genetic diseases. Last evaluated: 2026-07-08. Review status: criteria provided, single submitter. Criteria: Ambry Variant Classification Scheme 2023. Collection method: clinical testing. Allele origin: germline.

Labcorp Genetics (formerly Invitae), Labcorp
Classification: Uncertain significance. Last evaluated: 2023-08-29. Review status: criteria provided, single submitter. Criteria: Invitae Variant Classification Sherloc (09022015). Collection method: clinical testing. Allele origin: germline.
Comment: Algorithms developed to predict the effect of missense changes on protein structure and function output the following: SIFT: "Not Available"; PolyPhen-2: "Benign"; Align-GVGD: "Not Available". The arginine amino acid residue is found in multiple mammalian species, which suggests that this missense change does not adversely affect protein function. In summary, the available evidence is currently insufficient to determine the role of this variant in disease. Therefore, it has been classified as a Variant of Uncertain Significance. This variant has not been reported in the literature in individuals affected with MYO18B-related conditions. This sequence change replaces glycine, which is neutral and non-polar, with arginine, which is basic and polar, at codon 2459 of the MYO18B protein (p.Gly2459Arg). This variant is not present in population databases (gnomAD no frequency).